The following is an entry in ClinVar:

NM_000245.4(MET):c.2200A>C (p.Ser734Arg)

Gene: MET (MET proto-oncogene, receptor tyrosine kinase; plus strand). Cytogenetic location: 7q31.2.
Variant type: single nucleotide variant.
Coding change: c.2200A>C on transcript NM_000245.4 (MANE Select); coding-DNA position 2200, A replaced by C.
Protein change: p.Ser734Arg; replaces serine 734 with arginine.
Molecular consequence: missense variant.
Genome position (GRCh38, 1-based): chr7:116,758,556, A>C. VCF-style: chr7-116758556-A-C. GRCh37 (hg19) VCF-style: chr7-116398610-A-C.
Other names: c.2200A>C, p.Ser734Arg (NM_001127500.3, NM_001324401.3); c.910A>C, p.Ser304Arg (NM_001324402.2); short protein forms S304R, S734R.
Identifiers: ClinVar variation 1357740 (VCV001357740.8), dbSNP rs754228039, ClinGen allele CA4448422.

ClinVar aggregate classification (germline): Uncertain significance (1 of 4 stars; one submission).

Conditions:
Renal cell carcinoma. Identifiers: Orphanet 217071, MedGen C0007134, MeSH D002292, MONDO:0005086, HP:0005584.

Allele frequency attached by ClinVar (database versions not stated): gnomAD exomes below 0.00001; ExAC 0.00001.
gnomAD v4.1: 1 of 1,613,912 alleles (0.000062%); highest among the groups gnomAD compares: Admixed American, 0.0017%; no homozygotes.

Submission:

Labcorp Genetics (formerly Invitae), Labcorp
Classification: Uncertain significance for Renal cell carcinoma. Last evaluated: 2023-05-11. Review status: criteria provided, single submitter. Criteria: Invitae Variant Classification Sherloc (09022015). Collection method: clinical testing. Allele origin: germline.
Comment: This sequence change replaces serine, which is neutral and polar, with arginine, which is basic and polar, at codon 734 of the MET protein (p.Ser734Arg). This variant is present in population databases (rs754228039, gnomAD 0.003%). This variant has not been reported in the literature in individuals affected with MET-related conditions. ClinVar contains an entry for this variant (Variation ID: 1357740). Advanced modeling of protein sequence and biophysical properties (such as structural, functional, and spatial information, amino acid conservation, physicochemical variation, residue mobility, and thermodynamic stability) performed at Invitae indicates that this missense variant is not expected to disrupt MET protein function. In summary, the available evidence is currently insufficient to determine the role of this variant in disease. Therefore, it has been classified as a Variant of Uncertain Significance.